The following is an entry in ClinVar:

ClinVar aggregate classification (germline): Uncertain significance (1 of 4 stars; one submission).

Submission:

Genetic Services Laboratory, University of Chicago
Classification: Uncertain significance. Last evaluated: 2021-12-14. Review status: criteria provided, single submitter. Criteria: ACMG Guidelines, 2015. Collection method: clinical testing. Allele origin: germline. Affected: no.
Comment: DNA sequence analysis of the BRIP1 gene demonstrated a sequence change, c.2447G>T, in exon 17 that results in an amino acid change, p.Trp816Leu. This sequence change does not appear to have been previously described in individuals with BRIP1-related disorders and has also not been described in population databases such as ExAC and gnomAD. The p.Trp816Leu change affects a highly conserved amino acid residue located in a domain of the BRIP1 protein that is known to be functional. In-silico pathogenicity prediction tools (SIFT, PolyPhen2, Align GVGD, REVEL) provide contradictory results for the p.Trp816Leu substitution. Due to insufficient evidences and the lack of functional studies, the clinical significance of the p.Trp816Leu change remains unknown at this time.

NM_032043.3(BRIP1):c.2447G>T (p.Trp816Leu)

Gene: BRIP1 (BRCA1 interacting helicase 1; minus strand). Cytogenetic location: 17q23.2.
Variant type: single nucleotide variant.
Coding change: c.2447G>T on transcript NM_032043.3 (MANE Select); coding-DNA position 2447, G replaced by T.
Protein change: p.Trp816Leu; replaces tryptophan 816 with leucine.
Molecular consequence: missense variant.
Genome position (GRCh38, 1-based): chr17:61,715,996, C>A on the plus strand (G>T on the coding strand, the complement: BRIP1 is on the minus strand). VCF-style: chr17-61715996-C-A. GRCh37 (hg19) VCF-style: chr17-59793357-C-A.
Other names: short protein forms W816L.
Identifiers: ClinVar variation 1338183 (VCV001338183.4), dbSNP rs786204250, ClinGen allele CA400479577.
Genomic context (GRCh38, chr17:61,715,996, plus strand): 5'-TTTCACTCCACTTACCTACCAAGGGCCTGGTTTAAGGCCCTGTATGCTTGAATTTCATAC[C>A]ACTGACGGCCAGGTAGAAGACCTCTCAATTTTGAATGGTGGTCATTGTATTGTCGTTTTA-3'
Protein context (NP_114432.2, residues 806-826): KLRGLLPGRQ[Trp816Leu]YEIQAYRALN